The following is an entry in ClinVar:

ClinVar aggregate classification (germline): Likely pathogenic (1 of 4 stars; one submission).

Conditions:
Glycogen storage disease, type V (GSD5). Also called: McArdle type glycogen storage disease; MCARDLE DISEASE; MUSCLE GLYCOGEN PHOSPHORYLASE DEFICIENCY; MYOPHOSPHORYLASE DEFICIENCY; PYGM DEFICIENCY. Identifiers: Orphanet 368, MedGen C0017924, MONDO:0009293, OMIM 232600.

Allele frequency attached by ClinVar (database versions not stated): gnomAD exomes below 0.00001.
gnomAD v4.1: 4 of 1,614,150 alleles (0.00025%); highest among the groups gnomAD compares: Non-Finnish European, 0.00034%; no homozygotes.

Submission:

Labcorp Genetics (formerly Invitae), Labcorp
Classification: Likely pathogenic for Glycogen storage disease, type V. Last evaluated: 2021-03-20. Review status: criteria provided, single submitter. Criteria: Invitae Variant Classification Sherloc (09022015). Collection method: clinical testing. Allele origin: germline.
Comment: This variant is not present in population databases (ExAC no frequency). This sequence change affects an acceptor splice site in intron 15 of the PYGM gene. It is expected to disrupt RNA splicing. Variants that disrupt the donor or acceptor splice site typically lead to a loss of protein function (PMID: 16199547), and loss-of-function variants in PYGM are known to be pathogenic (PMID: 8316268, 16786513). This variant has not been reported in the literature in individuals with PYGM-related conditions. In summary, the currently available evidence indicates that the variant is pathogenic, but additional data are needed to prove that conclusively. Therefore, this variant has been classified as Likely Pathogenic.

Literature cited by the submitters: PubMed 16199547; PubMed 8316268; PubMed 16786513.

NM_005609.4(PYGM):c.1828-2A>G

Gene: PYGM (glycogen phosphorylase, muscle associated; minus strand). Cytogenetic location: 11q13.1.
Variant type: single nucleotide variant.
Coding change: c.1828-2A>G on transcript NM_005609.4 (MANE Select); the canonical splice acceptor site of the intron before coding-DNA position 1828, A replaced by G.
Molecular consequence: splice acceptor variant.
Genome position (GRCh38, 1-based): chr11:64,751,468, T>C on the plus strand (A>G on the coding strand, the complement: PYGM is on the minus strand). VCF-style: chr11-64751468-T-C. GRCh37 (hg19) VCF-style: chr11-64518940-T-C.
Other names: c.1564-2A>G (NM_001164716.1).
Identifiers: ClinVar variation 1469984 (VCV001469984.8), dbSNP rs2135829883, ClinGen allele CA381169521.